The following is an entry in ClinVar:

ClinVar aggregate classification (germline): Uncertain significance (1 of 4 stars; one submission).

Conditions:
Catecholaminergic polymorphic ventricular tachycardia 1. Also called: VENTRICULAR TACHYCARDIA, CATECHOLAMINERGIC POLYMORPHIC, 1, WITH OR WITHOUT ATRIAL DYSFUNCTION AND/OR DILATED CARDIOMYOPATHY; RYR2-Related Catecholaminergic Polymorphic Ventricular Tachycardia; VENTRICULAR TACHYCARDIA, STRESS-INDUCED POLYMORPHIC 1. Identifiers: Orphanet 3286, MedGen C1631597, MONDO:0011484, OMIM 604772.

gnomAD v4.1: 1 of 1,611,400 alleles (0.000062%); highest among the groups gnomAD compares: African/African-American, 0.0013%; no homozygotes.

Submission:

Labcorp Genetics (formerly Invitae), Labcorp
Classification: Uncertain significance for Catecholaminergic polymorphic ventricular tachycardia 1. Last evaluated: 2024-09-04. Review status: criteria provided, single submitter. Criteria: Invitae Variant Classification Sherloc (09022015). Collection method: clinical testing. Allele origin: germline.
Comment: This sequence change replaces isoleucine, which is neutral and non-polar, with asparagine, which is neutral and polar, at codon 3910 of the RYR2 protein (p.Ile3910Asn). This variant is present in population databases (no rsID available, gnomAD 0.007%). This variant has not been reported in the literature in individuals affected with RYR2-related conditions. Invitae Evidence Modeling of protein sequence and biophysical properties (such as structural, functional, and spatial information, amino acid conservation, physicochemical variation, residue mobility, and thermodynamic stability) indicates that this missense variant is expected to disrupt RYR2 protein function with a positive predictive value of 95%. In summary, the available evidence is currently insufficient to determine the role of this variant in disease. Therefore, it has been classified as a Variant of Uncertain Significance.

NM_001035.3(RYR2):c.11729T>A (p.Ile3910Asn)

Gene: RYR2 (ryanodine receptor 2; plus strand). Cytogenetic location: 1q43.
Variant type: single nucleotide variant.
Coding change: c.11729T>A on transcript NM_001035.3 (MANE Select); coding-DNA position 11729, T replaced by A.
Protein change: p.Ile3910Asn; replaces isoleucine 3910 with asparagine.
Molecular consequence: missense variant.
Genome position (GRCh38, 1-based): chr1:237,773,602, T>A. VCF-style: chr1-237773602-T-A. GRCh37 (hg19) VCF-style: chr1-237936902-T-A.
Other names: short protein forms I3910N.
Identifiers: ClinVar variation 3633834 (VCV003633834.2).